The following is an entry in ClinVar:

NM_025137.4(SPG11):c.275C>A (p.Ser92Tyr)

Gene: SPG11 (SPG11 vesicle trafficking associated, spatacsin; minus strand). Cytogenetic location: 15q21.1.
Variant type: single nucleotide variant.
Coding change: c.275C>A on transcript NM_025137.4 (MANE Select); coding-DNA position 275, C replaced by A.
Protein change: p.Ser92Tyr; replaces serine 92 with tyrosine.
Molecular consequence: missense variant.
Genome position (GRCh38, 1-based): chr15:44,660,599, G>T on the plus strand (C>A on the coding strand, the complement: SPG11 is on the minus strand). VCF-style: chr15-44660599-G-T. GRCh37 (hg19) VCF-style: chr15-44952797-G-T.
Other names: c.275C>A, p.Ser92Tyr (NM_001160227.2, NM_001411132.1); short protein forms S92Y.
Identifiers: ClinVar variation 3343278 (VCV003343278.1).

ClinVar aggregate classification (germline): Uncertain significance (1 of 4 stars; one submission).

gnomAD v4.1: 3 of 1,613,922 alleles (0.00019%); highest among the groups gnomAD compares: Non-Finnish European, 0.00025%; no homozygotes.

Submission:

GeneDx
Classification: Uncertain significance. Last evaluated: 2023-05-04. Review status: criteria provided, single submitter. Criteria: GeneDx Variant Classification Process June 2021. Collection method: clinical testing. Allele origin: germline. Affected: yes.
Comment: Not observed at significant frequency in large population cohorts (gnomAD); In silico analysis supports that this missense variant does not alter protein structure/function; Has not been previously published as pathogenic or benign to our knowledge